The following is an entry in ClinVar:

ClinVar aggregate classification (germline): Likely benign. Review status: criteria provided, multiple submitters, no conflicts (2 of 4 stars). 3 submissions from 3 submitters: Likely benign (3). Last evaluated 2025-06-05.

Conditions:
Tuberous sclerosis 2 (TSC2). Identifiers: Orphanet 805, MedGen C1860707, MONDO:0013199, OMIM 613254.
Tuberous sclerosis syndrome (TSC). Also called: Tuberous Sclerosis Complex; Tuberous sclerosis. Identifiers: Orphanet 805, MedGen C0041341, MONDO:0001734.

Allele frequency attached by ClinVar (database versions not stated): gnomAD 0.00001; TOPMed 0.00003.
gnomAD v4.1: 10 of 1,612,184 alleles (0.00062%); highest among the groups gnomAD compares: African/African-American, 0.0013%; no homozygotes.

Submissions (3):

Myriad Genetics, Inc.
Classification: Likely benign for Tuberous sclerosis 2. Last evaluated: 2025-06-05. Review status: criteria provided, single submitter. Criteria: Myriad Autosomal Dominant, Autosomal Recessive and X-Linked Classification Criteria (2023). Collection method: clinical testing. Allele origin: unknown.
Comment: This variant is considered likely benign. This variant is intronic and is not expected to impact mRNA splicing.

Labcorp Genetics (formerly Invitae), Labcorp
Classification: Likely benign for Tuberous sclerosis 2. Last evaluated: 2025-03-25. Review status: criteria provided, single submitter. Criteria: Invitae Variant Classification Sherloc (09022015). Collection method: clinical testing. Allele origin: germline.

Color Diagnostics, LLC DBA Color Health
Classification: Likely benign for Tuberous sclerosis syndrome. Last evaluated: 2024-01-08. Review status: criteria provided, single submitter. Criteria: ACMG Guidelines, 2015. Collection method: clinical testing. Allele origin: germline.

NM_000548.5(TSC2):c.4990-13C>T

Gene: TSC2 (TSC complex subunit 2; plus strand). Cytogenetic location: 16p13.3.
Variant type: single nucleotide variant.
Coding change: c.4990-13C>T on transcript NM_000548.5 (MANE Select); 13 bases into the intron before coding-DNA position 4990, C replaced by T.
Molecular consequence: intron variant.
Genome position (GRCh38, 1-based): chr16:2,087,850, C>T. VCF-style: chr16-2087850-C-T. GRCh37 (hg19) VCF-style: chr16-2137851-C-T.
Other names: c.4921-13C>T (NM_001114382.3); c.4861-13C>T (NM_021055.3, NM_001370405.1); c.4792-13C>T (NM_001363528.2); c.4858-13C>T (NM_001370404.1); c.4789-13C>T (NM_001077183.3); c.4681-13C>T (NM_001318827.2); c.4258-13C>T (NM_001318831.2); c.4645-13C>T (NM_001318829.2); and 1 more.
Identifiers: ClinVar variation 1610187 (VCV001610187.10), dbSNP rs1346991628, ClinGen allele CA718903975.
Genomic context (GRCh38, chr16:2,087,850, plus strand): 5'-AACCAGGCAGTAGCCGAGATCAGCCTTCAGCACACGCTGTGTGCGGGGATGACCCTTTCT[C>T]TTGTCCGGGCAGGGCCAGTTCAACTTTGTCCACGTGATCGTCACCCCGCTGGACTACGAG-3'